The following is an entry in ClinVar:

NM_181776.3(SLC36A2):c.1283_1290delinsA (p.Val428fs)

Gene: SLC36A2 (solute carrier family 36 member 2; minus strand). Cytogenetic location: 5q33.1.
Variant type: Indel.
Coding change: c.1283_1290delinsA on transcript NM_181776.3 (MANE Select); coding-DNA positions 1283 to 1290, TCACCACG replaced by A.
Protein change: p.Val428fs; shifts the reading frame from valine 428.
Molecular consequence: frameshift variant.
Genome position (GRCh38, 1-based): chr5:151,316,979-151,316,986, CGTGGTGA replaced by T on the plus strand (TCACCACG replaced by A on the coding strand, the reverse complement: SLC36A2 is on the minus strand). VCF-style: chr5-151316979-CGTGGTGA-T. GRCh37 (hg19) VCF-style: chr5-150696540-CGTGGTGA-T.
Other names: short protein forms V428fs.
Identifiers: ClinVar variation 3390285 (VCV003390285.14).

ClinVar aggregate classification (germline): Uncertain significance (1 of 4 stars; one submission).

Submission:

CeGaT Center for Human Genetics Tuebingen
Classification: Uncertain significance. Last evaluated: 2024-09-01. Review status: criteria provided, single submitter. Criteria: CeGaT Center For Human Genetics Tuebingen Variant Classification Criteria Version 2. Collection method: clinical testing. Allele origin: germline. Affected: yes. Observed: 1 variant allele.
Comment: SLC36A2: PM2